The following is an entry in ClinVar:

NM_199355.4(ADAMTS18):c.3007-7T>G

Gene: ADAMTS18 (ADAM metallopeptidase with thrombospondin type 1 motif 18; minus strand). Cytogenetic location: 16q23.1.
Variant type: single nucleotide variant.
Coding change: c.3007-7T>G on transcript NM_199355.4 (MANE Select); 7 bases into the intron before coding-DNA position 3007, T replaced by G.
Molecular consequence: intron variant.
Genome position (GRCh38, 1-based): chr16:77,293,265, A>C on the plus strand (T>G on the coding strand, the complement: ADAMTS18 is on the minus strand). VCF-style: chr16-77293265-A-C. GRCh37 (hg19) VCF-style: chr16-77327162-A-C.
Other names: c.2491-7T>G (NM_001326358.2).
Identifiers: ClinVar variation 1018276 (VCV001018276.8), dbSNP rs368889887, ClinGen allele CA8180648.

ClinVar aggregate classification (germline): Uncertain significance (1 of 4 stars; one submission).

Allele frequency attached by ClinVar (database versions not stated): gnomAD exomes 0.00001 and 0.00002; ExAC 0.00003; TOPMed 0.00014; ESP Exome Variant Server 0.00015; gnomAD 0.00017 and 0.00019.
gnomAD v4.1: 43 of 1,613,396 alleles (0.0027%); highest among the groups gnomAD compares: African/African-American, 0.051%; no homozygotes.

Submission:

Labcorp Genetics (formerly Invitae), Labcorp
Classification: Uncertain significance. Last evaluated: 2025-01-13. Review status: criteria provided, single submitter. Criteria: Invitae Variant Classification Sherloc (09022015). Collection method: clinical testing. Allele origin: germline.
Comment: This sequence change falls in intron 19 of the ADAMTS18 gene. It does not directly change the encoded amino acid sequence of the ADAMTS18 protein. This variant is present in population databases (rs368889887, gnomAD 0.05%). This variant has not been reported in the literature in individuals affected with ADAMTS18-related conditions. ClinVar contains an entry for this variant (Variation ID: 1018276). Algorithms developed to predict the effect of sequence changes on RNA splicing suggest that this variant may disrupt the consensus splice site. In summary, the available evidence is currently insufficient to determine the role of this variant in disease. Therefore, it has been classified as a Variant of Uncertain Significance.